The following is an entry in ClinVar:

ClinVar aggregate classification (germline): Benign. Review status: criteria provided, multiple submitters, no conflicts (2 of 4 stars). 5 submissions from 5 submitters: Benign (5). Last evaluated 2026-02-01.

Conditions:
Auriculocondylar syndrome 2 (ARCND2A). Also called: AURICULOCONDYLAR SYNDROME 2A. Identifiers: Orphanet 137888, MedGen C3553404, MONDO:0013845, OMIM 614669.

Allele frequency attached by ClinVar (database versions not stated): ExAC 0.19905; gnomAD exomes 0.20071; gnomAD 0.23879 and 0.24167; ESP Exome Variant Server 0.25100; TOPMed 0.25577; 1000 Genomes Project 0.26058; 1000 Genomes Project 30x 0.26452.
gnomAD v4.1: 283,138 of 1,513,574 alleles (19%); highest among the groups gnomAD compares: East Asian, 40%; 30,182 homozygotes.

Submissions (5):

Labcorp Genetics (formerly Invitae), Labcorp
Classification: Benign. Last evaluated: 2026-02-01. Review status: criteria provided, single submitter. Criteria: Invitae Variant Classification Sherloc (09022015). Collection method: clinical testing. Allele origin: germline.

Genome-Nilou Lab
Classification: Benign for Auriculocondylar syndrome 2. Last evaluated: 2021-09-05. Review status: criteria provided, single submitter. Criteria: ACMG Guidelines, 2015. Collection method: clinical testing. Allele origin: germline. Affected: no.

GeneDx
Classification: Benign. Last evaluated: 2021-05-14. Review status: criteria provided, single submitter. Criteria: GeneDx Variant Classification Process June 2021. Collection method: clinical testing. Allele origin: germline. Affected: yes.

Illumina Laboratory Services, Illumina
Classification: Benign for Auriculocondylar syndrome 2. Last evaluated: 2018-01-12. Review status: criteria provided, single submitter. Criteria: ICSL Variant Classification Criteria 13 December 2019. Collection method: clinical testing. Allele origin: germline.
Comment: This variant was observed in the ICSL laboratory as part of a predisposition screen in an ostensibly healthy population. It had not been previously curated by ICSL or reported in the Human Gene Mutation Database (HGMD: prior to June 1st, 2018), and was therefore a candidate for classification through an automated scoring system. Utilizing variant allele frequency, disease prevalence and penetrance estimates, and inheritance mode, an automated score was calculated to assess if this variant is too frequent to cause the disease. Based on the score and internal cut-off values, a variant classified as benign is not then subjected to further curation. The score for this variant resulted in a classification of benign for this disease.

Breakthrough Genomics
Classification: Benign. Review status: criteria provided, single submitter. Criteria: ACMG Guidelines, 2015. Collection method: not provided. Allele origin: germline. Inheritance: Autosomal dominant inheritance. Affected: yes.

NM_001377142.1(PLCB4):c.2880+14C>A

Gene: PLCB4 (phospholipase C beta 4; plus strand). Cytogenetic location: 20p12.2.
Variant type: single nucleotide variant.
Coding change: c.2880+14C>A on transcript NM_001377142.1 (MANE Select); 14 bases into the intron after coding-DNA position 2880, C replaced by A.
Molecular consequence: intron variant.
Genome position (GRCh38, 1-based): chr20:9,444,257, C>A. VCF-style: chr20-9444257-C-A. GRCh37 (hg19) VCF-style: chr20-9424904-C-A.
Other names: c.2844+14C>A (NM_001377134.2, NM_000933.4, NM_182797.3 and 2 more transcripts); c.2880+14C>A (NM_001377143.1, NM_001172646.2).
Identifiers: ClinVar variation 339585 (VCV000339585.15), dbSNP rs6056629, ClinGen allele CA9761519.